The following is an entry in ClinVar:

ClinVar aggregate classification (germline): Pathogenic (1 of 4 stars; one submission).

Conditions:
Angelman syndrome-like. Identifiers: MedGen CN128785.
Developmental and epileptic encephalopathy, 2 (DEE2). Also called: INFANTILE SPASM SYNDROME, X-LINKED 2; CDKL5 deficiency disorder. Identifiers: Orphanet 1934, Orphanet 3451, Orphanet 505652, MedGen C4750718, MONDO:0010396, OMIM 300672.

Submission:

Labcorp Genetics (formerly Invitae), Labcorp
Classification: Pathogenic for Developmental and epileptic encephalopathy, 2; Angelman syndrome-like. Last evaluated: 2022-07-05. Review status: criteria provided, single submitter. Criteria: Invitae Variant Classification Sherloc (09022015). Collection method: clinical testing. Allele origin: germline.
Comment: For these reasons, this variant has been classified as Pathogenic. ClinVar contains an entry for this variant (Variation ID: 1376941). This variant has not been reported in the literature in individuals affected with CDKL5-related conditions. This variant is not present in population databases (gnomAD no frequency). This sequence change creates a premature translational stop signal (p.Trp821Cysfs*16) in the CDKL5 gene. It is expected to result in an absent or disrupted protein product. Loss-of-function variants in CDKL5 are known to be pathogenic (PMID: 22872100).

Literature cited by the submitters: PubMed 22872100.

NM_001323289.2(CDKL5):c.2463del (p.Trp821fs)

Gene: CDKL5 (cyclin dependent kinase like 5; plus strand). Cytogenetic location: Xp22.13.
Variant type: Deletion.
Coding change: c.2463del on transcript NM_001323289.2 (MANE Select); coding-DNA position 2463, one base deleted (G; older notation c.2463delG).
Protein change: p.Trp821fs; shifts the reading frame from tryptophan 821.
Molecular consequence: frameshift variant.
Genome position (GRCh38, 1-based): chrX:18,625,214, G deleted; the last of 2 consecutive G bases (chrX:18,625,213-18,625,214); deleting either gives the same sequence. VCF-style (leftmost placement, unchanged base first): chrX-18625212-TG-T. GRCh37 (hg19) VCF-style: chrX-18643332-TG-T.
Other names: c.2463del, p.Trp821fs (NM_001037343.2, NM_003159.3); short protein forms W821fs.
Identifiers: ClinVar variation 1376941 (VCV001376941.6), dbSNP rs2147175902, ClinGen allele CA2573158452.